The following is an entry in ClinVar:

NM_001394062.1(MACF1):c.22386C>T (p.Ser7462=)

Gene: MACF1 (microtubule actin crosslinking factor 1; plus strand). Cytogenetic location: 1p34.3.
Variant type: single nucleotide variant.
Coding change: c.22386C>T on transcript NM_001394062.1 (MANE Select); coding-DNA position 22386, C replaced by T.
Protein change: p.Ser7462=; no amino-acid change (serine 7462 retained).
Molecular consequence: synonymous variant.
Genome position (GRCh38, 1-based): chr1:39,484,705, C>T. VCF-style: chr1-39484705-C-T. GRCh37 (hg19) VCF-style: chr1-39950377-C-T.
Other names: c.16011C>T, p.Ser5337= (NM_012090.5).
Identifiers: ClinVar variation 1228786 (VCV001228786.14), dbSNP rs72930231, ClinGen allele CA784875.

ClinVar aggregate classification (germline): Benign. Review status: criteria provided, multiple submitters, no conflicts (2 of 4 stars). 5 submissions from 5 submitters: Benign (4). 1 of the submissions does not count toward it. Last evaluated 2026-01-27.

Conditions:
MACF1-related disorder. Also called: MACF1-related condition.
Lissencephaly 9 with complex brainstem malformation. Identifiers: Orphanet 572013, MedGen C5193029, MONDO:0032677, OMIM 618325.

Allele frequency attached by ClinVar (database versions not stated): gnomAD exomes 0.00415 and 0.01094; ExAC 0.01314; gnomAD 0.04077 and 0.04381; 1000 Genomes Project 0.04233; 1000 Genomes Project 30x 0.04482; ESP Exome Variant Server 0.04590; TOPMed 0.04621.
gnomAD v4.1: 12,540 of 1,614,098 alleles (0.78%); highest among the groups gnomAD compares: African/African-American, 14%; 781 homozygotes.

Submissions (5):

Labcorp Genetics (formerly Invitae), Labcorp
Classification: Benign. Last evaluated: 2026-01-27. Review status: criteria provided, single submitter. Criteria: Invitae Variant Classification Sherloc (09022015). Collection method: clinical testing. Allele origin: germline.

Genome-Nilou Lab
Classification: Benign for Lissencephaly 9 with complex brainstem malformation. Last evaluated: 2023-04-11. Review status: criteria provided, single submitter. Criteria: ACMG Guidelines, 2015. Collection method: clinical testing. Allele origin: germline. Affected: no.

GeneDx
Classification: Benign. Last evaluated: 2021-05-05. Review status: criteria provided, single submitter. Criteria: GeneDx Variant Classification Process June 2021. Collection method: clinical testing. Allele origin: germline. Affected: yes.

Breakthrough Genomics
Classification: Benign. Review status: criteria provided, single submitter. Criteria: ACMG Guidelines, 2015. Collection method: not provided. Allele origin: germline. Inheritance: Autosomal dominant inheritance. Affected: yes.

PreventionGenetics, part of Exact Sciences
Classification: Benign for MACF1-related condition. Last evaluated: 2019-02-18. Review status: no assertion criteria provided. Collection method: clinical testing. Allele origin: germline. Not counted in ClinVar's aggregate classification.
Comment: This variant is classified as benign based on ACMG/AMP sequence variant interpretation guidelines (Richards et al. 2015 PMID: 25741868, with internal and published modifications).